The following is an entry in ClinVar:

NM_000540.3(RYR1):c.424+6G>A

Gene: RYR1 (ryanodine receptor 1; plus strand). Cytogenetic location: 19q13.2.
Variant type: single nucleotide variant.
Coding change: c.424+6G>A on transcript NM_000540.3 (MANE Select); 6 bases into the intron after coding-DNA position 424, G replaced by A.
Molecular consequence: intron variant.
Genome position (GRCh38, 1-based): chr19:38,443,802, G>A. VCF-style: chr19-38443802-G-A. GRCh37 (hg19) VCF-style: chr19-38934442-G-A.
Other names: c.424+6G>A (NM_001042723.2).
Identifiers: ClinVar variation 544451 (VCV000544451.8), dbSNP rs1555763462, ClinGen allele CA658799193.
Genomic context (GRCh38, chr19:38,443,802, plus strand): 5'-CGCTCCATGACTGACAAGCTGGCCTTCGATGTGGGACTGCAGGAGGACGCAACAGGTGCA[G>A]CAGCTGGAGGGGATGGGGGTGTGAAGGGGCCCCGCAGCAGGGATTCAGGGGGTAGAAGGT-3'

ClinVar aggregate classification (germline): Uncertain significance (1 of 4 stars; one submission).

Conditions:
RYR1-related disorder. Also called: RYR1-related condition; RYR1-related disorders. Identifiers: MedGen CN239331.

Submission:

Labcorp Genetics (formerly Invitae), Labcorp
Classification: Uncertain significance for RYR1-related disorder. Last evaluated: 2017-12-19. Review status: criteria provided, single submitter. Criteria: Invitae Variant Classification Sherloc (09022015). Collection method: clinical testing. Allele origin: germline.
Comment: Nucleotide substitutions within the consensus splice site are a relatively common cause of aberrant splicing (PMID: 17576681, 9536098). Algorithms developed to predict the effect of sequence changes on RNA splicing suggest that this variant may disrupt the consensus splice site, but this prediction has not been confirmed by published transcriptional studies. This variant has not been reported in the literature in individuals with RYR1-related disease. This variant is not present in population databases (ExAC no frequency). This sequence change falls in intron 5 of the RYR1 gene. It does not directly change the encoded amino acid sequence of the RYR1 protein, but it affects a nucleotide within the consensus splice site of the intron. In summary, the available evidence is currently insufficient to determine the role of this variant in disease. Therefore, it has been classified as a Variant of Uncertain Significance.

Literature cited by the submitters: PubMed 17576681; PubMed 9536098.